The following is an entry in ClinVar:

NM_000268.4(NF2):c.658A>T (p.Asn220Tyr)

Gene: NF2 (NF2, moesin-ezrin-radixin like (MERLIN) tumor suppressor; plus strand). Cytogenetic location: 22q12.2.
Variant type: single nucleotide variant.
Coding change: c.658A>T on transcript NM_000268.4 (MANE Select); coding-DNA position 658, A replaced by T.
Protein change: p.Asn220Tyr; replaces asparagine 220 with tyrosine.
Molecular consequence: missense variant. On other transcripts: non-coding transcript variant (1), intron variant (1).
Genome position (GRCh38, 1-based): chr22:29,658,247, A>T. VCF-style: chr22-29658247-A-T. GRCh37 (hg19) VCF-style: chr22-30054236-A-T.
Other names: c.658A>T, p.Asn220Tyr (NM_016418.5, NM_181825.3, NM_181832.3); c.532A>T, p.Asn178Tyr (NM_181828.3); c.535A>T, p.Asn179Tyr (NM_181829.3); c.409A>T, p.Asn137Tyr (NM_181830.3, NM_181831.3); c.447+15962A>T (NM_181833.3); short protein forms N178Y, N220Y, N137Y, N179Y.
Identifiers: ClinVar variation 643102 (VCV000643102.16), dbSNP rs1601618646, ClinGen allele CA411143099.

ClinVar aggregate classification (germline): Pathogenic. Review status: criteria provided, multiple submitters, no conflicts (2 of 4 stars). 4 submissions from 4 submitters: Pathogenic (4). Last evaluated 2024-01-29.

Conditions:
Hereditary cancer-predisposing syndrome. Also called: Neoplastic Syndromes, Hereditary; Hereditary Cancer Syndrome; Tumor predisposition; Hereditary neoplastic syndrome. Identifiers: Orphanet 140162, MedGen C0027672, MeSH D009386, MONDO:0015356.
Neurofibromatosis, type 2 (SWNV). Also called: BILATERAL ACOUSTIC NEUROFIBROMATOSIS; NF2-Related Schwannomatosis; SCHWANNOMATOSIS, VESTIBULAR. Identifiers: Orphanet 637, MedGen C0027832, MONDO:0007039, OMIM 101000. Disease mechanism: loss of function.

Submissions (4):

Ambry Genetics
Classification: Pathogenic for Hereditary cancer-predisposing syndrome. Last evaluated: 2024-01-29. Review status: criteria provided, single submitter. Criteria: Ambry Variant Classification Scheme 2023. Collection method: clinical testing. Allele origin: germline.
Comment: The p.N220Y pathogenic mutation (also known as c.658A>T), located in coding exon 7 of the NF2 gene, results from an A to T substitution at nucleotide position 658. The asparagine at codon 220 is replaced by tyrosine, an amino acid with dissimilar properties. This mutation segregated with disease in a large, well-studied family meeting diagnostic criteria for Neurofibromatosis type 2 (NF2) (MacCollin M et al. JAMA, 1993 Nov;270:2316-20; Ruttledge MH et al. Am J Hum Genet, 1996 Aug;59:331-42). This variant has been observed in at least one individual with a personal and/or family history that is consistent with NF2-related schwannomatosis (Ambry internal data). In multiple assays testing NF2 function, this variant showed functionally normal results; however, in another assay, this variant showed a functionally abnormal result (Murthy A et al. J Biol Chem, 1998 Jan;273:1273-6; Deguen B et al. Hum Mol Genet, 1998 Feb;7:217-26; Stokowski RP et al. Am J Hum Genet, 2000 Mar;66:873-91). This variant is considered to be rare based on population cohorts in the Genome Aggregation Database (gnomAD). This nucleotide position is highly conserved in available vertebrate species. This amino acid position is highly conserved in available vertebrate species. In silico splice site analysis predicts that this alteration will weaken the native splice donor site and will result in the creation or strengthening of a novel splice donor site. In addition, as a missense alteration, p.N220Y is predicted to be deleterious by in silico analysis. Based on the supporting evidence, this alteration is interpreted as a disease-causing mutation.

Labcorp Genetics (formerly Invitae), Labcorp
Classification: Pathogenic for Neurofibromatosis, type 2. Last evaluated: 2022-05-11. Review status: criteria provided, single submitter. Criteria: Invitae Variant Classification Sherloc (09022015). Collection method: clinical testing. Allele origin: germline.
Comment: Algorithms developed to predict the effect of missense changes on protein structure and function are either unavailable or do not agree on the potential impact of this missense change (SIFT: "Tolerated"; PolyPhen-2: "Probably Damaging"; Align-GVGD: "Class C0"). Experimental studies have shown that this missense change affects NF2 function (PMID: 10712203). Algorithms developed to predict the effect of sequence changes on RNA splicing suggest that this variant may disrupt the consensus splice site. ClinVar contains an entry for this variant (Variation ID: 643102). For these reasons, this variant has been classified as Pathogenic. This sequence change replaces asparagine, which is neutral and polar, with tyrosine, which is neutral and polar, at codon 220 of the NF2 protein (p.Asn220Tyr). This variant is not present in population databases (gnomAD no frequency). This missense change has been observed in individual(s) with neurofibromatosis type 2 (PMID: 8230593). It has also been observed to segregate with disease in related individuals.

Genome-Nilou Lab
Classification: Pathogenic for Neurofibromatosis, type 2. Last evaluated: 2021-11-07. Review status: criteria provided, single submitter. Criteria: ACMG Guidelines, 2015. Collection method: clinical testing. Allele origin: germline. Affected: no.

GeneDx
Classification: Pathogenic. Last evaluated: 2020-01-08. Review status: criteria provided, single submitter. Criteria: GeneDx Variant Classification Process June 2021. Collection method: clinical testing. Allele origin: germline. Affected: yes.
Comment: Exonic splice site variant demonstrated to result in protein truncation or nonsense mediated decay in a gene for which loss-of-function is a known mechanism of disease; Protein based functional studies are conflicting with respect to protein and cytoskeletal binding, dimerization, and cellular localization (Deguen 1988, Murthy 1998, Stokowski 2000, Scoles 2002); however, as the mechanism of pathogenicity of this variant is aberrant splicing, these studies are not relevant; Not observed in large population cohorts (Lek 2016); This variant is associated with the following publications: (PMID: 3134615, 8230593, 8755919, 11756419, 9425229, 9430655, 11779178, 10712203, 8012353)

Literature cited by the submitters: PubMed 10712203 (cited by Ambry Genetics and Labcorp Genetics (formerly Invitae), Labcorp); PubMed 8230593 (cited by Ambry Genetics and Labcorp Genetics (formerly Invitae), Labcorp); PubMed 8755919 (cited by Ambry Genetics); PubMed 9425229 (cited by Ambry Genetics); PubMed 9430655 (cited by Ambry Genetics).